The following is an entry in ClinVar:

NM_001205293.3(CACNA1E):c.6827G>A (p.Trp2276Ter)

Gene: CACNA1E (calcium voltage-gated channel subunit alpha1 E; plus strand). Cytogenetic location: 1q25.3.
Variant type: single nucleotide variant.
Coding change: c.6827G>A on transcript NM_001205293.3 (MANE Select); coding-DNA position 6827, G replaced by A.
Protein change: p.Trp2276Ter; replaces tryptophan 2276 with a stop codon.
Molecular consequence: nonsense.
Genome position (GRCh38, 1-based): chr1:181,798,719, G>A. VCF-style: chr1-181798719-G-A. GRCh37 (hg19) VCF-style: chr1-181767855-G-A.
Other names: c.6698G>A, p.Trp2233Ter (NM_000721.4); c.6641G>A, p.Trp2214Ter (NM_001205294.2); short protein forms W2214*, W2233*, W2276*.
Identifiers: ClinVar variation 3365528 (VCV003365528.1).

ClinVar aggregate classification (germline): Uncertain significance (1 of 4 stars; one submission).

Submission:

GeneDx
Classification: Uncertain significance. Last evaluated: 2023-12-13. Review status: criteria provided, single submitter. Criteria: GeneDx Variant Classification Process June 2021. Collection method: clinical testing. Allele origin: germline. Affected: yes.
Comment: Not observed at significant frequency in large population cohorts (gnomAD); Has not been previously published as pathogenic or benign to our knowledge; Nonsense variant predicted to result in protein truncation as the last 38 amino acids are lost in a gene for which loss-of-function is not a known mechanism of disease